The following is an entry in ClinVar:

NM_001110556.2(FLNA):c.423C>T (p.Ile141=)

Gene: FLNA (filamin A; minus strand). Cytogenetic location: Xq28.
Variant type: single nucleotide variant.
Coding change: c.423C>T on transcript NM_001110556.2 (MANE Select); coding-DNA position 423, C replaced by T.
Protein change: p.Ile141=; no amino-acid change (isoleucine 141 retained).
Molecular consequence: synonymous variant.
Genome position (GRCh38, 1-based): chrX:154,368,041, G>A on the plus strand (C>T on the coding strand, the complement: FLNA is on the minus strand). VCF-style: chrX-154368041-G-A. GRCh37 (hg19) VCF-style: chrX-153596409-G-A.
Other names: c.423C>T (NM_001110556.1); c.423C>T, p.Ile141= (NM_001456.4).
Identifiers: ClinVar variation 464990 (VCV000464990.14), dbSNP rs782198156, ClinGen allele CA10561410.

ClinVar aggregate classification (germline): Benign. Review status: criteria provided, single submitter (1 of 4 stars). 2 submissions from 2 submitters: Benign (1). 1 of the submissions does not count toward it. Last evaluated 2026-01-15.

Conditions:
FLNA-related disorder.
Heterotopia, periventricular, X-linked dominant (PVNH1). Also called: PERIVENTRICULAR NODULAR HETEROTOPIA 1; X-linked periventricular heterotopia; PERIVENTRICULAR NODULAR HETEROTOPIA 4; HETEROTOPIA, PERIVENTRICULAR, 1. Identifiers: Orphanet 2149, Orphanet 82004, MedGen C1848213, MONDO:0010233, OMIM 300049.
Oto-palato-digital syndrome, type II (OPD2). Also called: FACIOPALATOOSSEOUS SYNDROME; OPD II SYNDROME; Otopalatodigital Syndrome Type 2 (FLNA-OPD2); Otopalatodigital Syndrome, Type II. Identifiers: Orphanet 669, Orphanet 90652, MedGen C1844696, MONDO:0010571, OMIM 304120.
Frontometaphyseal dysplasia (FMD1). Identifiers: Orphanet 1826, MedGen C0265293, MONDO:0015942.
Melnick-Needles syndrome (MNS). Also called: MELNICK-NEEDLES OSTEODYSPLASTY; OSTEODYSPLASTY OF MELNICK AND NEEDLES; Melnick-Needles Syndrome (FLNA-MNS). Identifiers: Orphanet 2484, MedGen C0025237, MONDO:0010650, OMIM 309350.

Allele frequency attached by ClinVar (database versions not stated): gnomAD exomes 0.00002 and 0.00009; TOPMed 0.00004; ExAC 0.00013.
gnomAD v4.1: 19 of 1,207,332 alleles (0.0016%); highest among the groups gnomAD compares: Admixed American, 0.041%; no homozygotes.

Submissions (2):

Labcorp Genetics (formerly Invitae), Labcorp
Classification: Benign for Oto-palato-digital syndrome, type II; Heterotopia, periventricular, X-linked dominant; Frontometaphyseal dysplasia; Melnick-Needles syndrome. Last evaluated: 2026-01-15. Review status: criteria provided, single submitter. Criteria: Invitae Variant Classification Sherloc (09022015). Collection method: clinical testing. Allele origin: germline.

PreventionGenetics, part of Exact Sciences
Classification: Likely benign for FLNA-related condition. Last evaluated: 2024-01-16. Review status: no assertion criteria provided. Collection method: clinical testing. Allele origin: germline. Not counted in ClinVar's aggregate classification.
Comment: This variant is classified as likely benign based on ACMG/AMP sequence variant interpretation guidelines (Richards et al. 2015 PMID: 25741868, with internal and published modifications).